The following is an entry in ClinVar:

ClinVar aggregate classification (germline): Uncertain significance (1 of 4 stars; one submission).

Allele frequency attached by ClinVar (database versions not stated): TOPMed below 0.00001; ExAC 0.00001; gnomAD 0.00001.
gnomAD v4.1: 1 of 1,613,780 alleles (0.000062%); highest among the groups gnomAD compares: African/African-American, 0.0013%; no homozygotes.

Submission:

Women's Health and Genetics/Laboratory Corporation of America, LabCorp
Classification: Uncertain significance. Last evaluated: 2023-11-15. Review status: criteria provided, single submitter. Criteria: LabCorp Variant Classification Summary - May 2015. Collection method: clinical testing. Allele origin: germline.
Comment: Variant summary: PRSS12 c.1843C>T (p.Leu615Phe) results in a non-conservative amino acid change in the encoded protein sequence. Four of five in-silico tools predict a benign effect of the variant on protein function. The variant allele was found at a frequency of 4e-06 in 251236 control chromosomes. The available data on variant occurrences in the general population are insufficient to allow any conclusion about variant significance. To our knowledge, no occurrence of c.1843C>T in individuals affected with Intellectual Disability, Autosomal Recessive 1 and no experimental evidence demonstrating its impact on protein function have been reported. No submitters have cited clinical-significance assessments for this variant to ClinVar after 2014. Based on the evidence outlined above, the variant was classified as uncertain significance.

NM_003619.4(PRSS12):c.1843C>T (p.Leu615Phe)

Gene: PRSS12 (serine protease 12; minus strand). Cytogenetic location: 4q26.
Variant type: single nucleotide variant.
Coding change: c.1843C>T on transcript NM_003619.4 (MANE Select); coding-DNA position 1843, C replaced by T.
Protein change: p.Leu615Phe; replaces leucine 615 with phenylalanine.
Molecular consequence: missense variant.
Genome position (GRCh38, 1-based): chr4:118,295,851, G>A on the plus strand (C>T on the coding strand, the complement: PRSS12 is on the minus strand). VCF-style: chr4-118295851-G-A. GRCh37 (hg19) VCF-style: chr4-119217006-G-A.
Other names: short protein forms L615F.
Identifiers: ClinVar variation 2682539 (VCV002682539.1), dbSNP rs749590934, ClinGen allele CA3055528.